The following is an entry in ClinVar:

NM_194454.3(KRIT1):c.1904del (p.Tyr635fs)

Gene: KRIT1 (KRIT1 ankyrin repeat containing; minus strand). Cytogenetic location: 7q21.2.
Variant type: Deletion.
Coding change: c.1904del on transcript NM_194454.3 (MANE Select); coding-DNA position 1904, one base deleted (A; older notation c.1904delA).
Protein change: p.Tyr635fs; shifts the reading frame from tyrosine 635.
Molecular consequence: frameshift variant.
Genome position (GRCh38, 1-based): chr7:92,213,316, T deleted on the plus strand (A on the coding strand, the reverse complement: KRIT1 is on the minus strand). VCF-style (leftmost placement, unchanged base first): chr7-92213315-AT-A. GRCh37 (hg19) VCF-style: chr7-91842629-AT-A.
Other names: c.1760del, p.Tyr587fs (NM_001013406.2, NM_001350669.1, NM_001350670.1); c.1190del, p.Tyr397fs (NM_001350671.1); c.1904del, p.Tyr635fs (NM_001350672.1, NM_001350673.1, NM_001350674.1 and 26 more transcripts); short protein forms Y587fs, Y635fs, Y397fs.
Identifiers: ClinVar variation 3721399 (VCV003721399.2).

ClinVar aggregate classification (germline): Pathogenic (1 of 4 stars; one submission).

Conditions:
Cerebral cavernous malformation (CCM). Also called: Cerebral cavernous malformations; Cavernous Hemangioma of Brain; CAVERNOUS ANGIOMA, FAMILIAL; CAVERNOUS ANGIOMATOUS MALFORMATIONS; CEREBRAL CAPILLARY MALFORMATIONS; Cerebral cavernous hemangioma (type). Identifiers: Orphanet 221061, MedGen C2919945, MONDO:0000820, OMIM 116860, HP:0033522.

Submission:

Labcorp Genetics (formerly Invitae), Labcorp
Classification: Pathogenic for Cerebral cavernous malformation. Last evaluated: 2024-09-23. Review status: criteria provided, single submitter. Criteria: Invitae Variant Classification Sherloc (09022015). Collection method: clinical testing. Allele origin: germline.
Comment: This sequence change creates a premature translational stop signal (p.Tyr635Leufs*26) in the KRIT1 gene. It is expected to result in an absent or disrupted protein product. Loss-of-function variants in KRIT1 are known to be pathogenic (PMID: 10508515, 11222804, 12404106, 24689081). This variant is not present in population databases (gnomAD no frequency). This variant has not been reported in the literature in individuals affected with KRIT1-related conditions. For these reasons, this variant has been classified as Pathogenic.

Literature cited by the submitters: PubMed 10508515; PubMed 11222804; PubMed 12404106; PubMed 24689081.